The following is an entry in ClinVar:

ClinVar aggregate classification (germline): Uncertain significance (1 of 4 stars; one submission).

Allele frequency attached by ClinVar (database versions not stated): TOPMed below 0.00001; ExAC 0.00001.
gnomAD v4.1: 6 of 1,613,926 alleles (0.00037%); highest among the groups gnomAD compares: Middle Eastern, 0.049%; no homozygotes.

Submission:

Labcorp Genetics (formerly Invitae), Labcorp
Classification: Uncertain significance. Last evaluated: 2024-09-05. Review status: criteria provided, single submitter. Criteria: Invitae Variant Classification Sherloc (09022015). Collection method: clinical testing. Allele origin: germline.
Comment: This sequence change replaces aspartic acid, which is acidic and polar, with asparagine, which is neutral and polar, at codon 1590 of the FAT1 protein (p.Asp1590Asn). This variant is present in population databases (rs766637744, gnomAD 0.0009%). This variant has not been reported in the literature in individuals affected with FAT1-related conditions. ClinVar contains an entry for this variant (Variation ID: 1975103). An algorithm developed to predict the effect of missense changes on protein structure and function (PolyPhen-2) suggests that this variant is likely to be disruptive. In summary, the available evidence is currently insufficient to determine the role of this variant in disease. Therefore, it has been classified as a Variant of Uncertain Significance.

NM_005245.4(FAT1):c.4768G>A (p.Asp1590Asn)

Gene: FAT1 (FAT atypical cadherin 1; minus strand). Cytogenetic location: 4q35.2.
Variant type: single nucleotide variant.
Coding change: c.4768G>A on transcript NM_005245.4 (MANE Select); coding-DNA position 4768, G replaced by A.
Protein change: p.Asp1590Asn; replaces aspartic acid 1590 with asparagine.
Molecular consequence: missense variant.
Genome position (GRCh38, 1-based): chr4:186,628,196, C>T on the plus strand (G>A on the coding strand, the complement: FAT1 is on the minus strand). VCF-style: chr4-186628196-C-T. GRCh37 (hg19) VCF-style: chr4-187549350-C-T.
Other names: short protein forms D1590N.
Identifiers: ClinVar variation 1975103 (VCV001975103.5), dbSNP rs766637744, ClinGen allele CA3166614.
Genomic context (GRCh38, chr4:186,628,196, plus strand): 5'-TGAAGGCTCCAAAAGTACCTGACTCGATCGAGTACAGCACTTCAGCATTTTTCCCTTTGT[C>T]CTTGTCCAGAGCCGTCACCTGCAACACAACTGAGCCAACGGCTGCCGATTCATAAACCCG-3'
Protein context (NP_005236.2, residues 1580-1600): VVLQVTALDK[Asp1590Asn]KGKNAEVLYS